The following is an entry in ClinVar:

NM_004423.4(DVL3):c.901C>G (p.Gln301Glu)

Gene: DVL3 (dishevelled segment polarity protein 3; plus strand). Cytogenetic location: 3q27.1.
Variant type: single nucleotide variant.
Coding change: c.901C>G on transcript NM_004423.4 (MANE Select); coding-DNA position 901, C replaced by G.
Protein change: p.Gln301Glu; replaces glutamine 301 with glutamic acid.
Molecular consequence: missense variant.
Genome position (GRCh38, 1-based): chr3:184,166,263, C>G. VCF-style: chr3-184166263-C-G. GRCh37 (hg19) VCF-style: chr3-183884051-C-G.
Other names: short protein forms Q301E.
Identifiers: ClinVar variation 4805724 (VCV004805724.1).

ClinVar aggregate classification (germline): Uncertain significance (1 of 4 stars; one submission).

gnomAD v4.1: 6 of 1,612,530 alleles (0.00037%); highest among the groups gnomAD compares: Admixed American, 0.0017%; no homozygotes.

Submission:

Labcorp Genetics (formerly Invitae), Labcorp
Classification: Uncertain significance. Last evaluated: 2025-09-03. Review status: criteria provided, single submitter. Criteria: Invitae Variant Classification Sherloc (09022015). Collection method: clinical testing. Allele origin: germline.
Comment: This sequence change replaces glutamine, which is neutral and polar, with glutamic acid, which is acidic and polar, at codon 301 of the DVL3 protein (p.Gln301Glu). This variant is present in population databases (no rsID available, gnomAD 0.007%). This variant has not been reported in the literature in individuals affected with DVL3-related conditions. An algorithm developed to predict the effect of missense changes on protein structure and function (PolyPhen-2) suggests that this variant is likely to be disruptive. In summary, the available evidence is currently insufficient to determine the role of this variant in disease. Therefore, it has been classified as a Variant of Uncertain Significance.